The following is an entry in ClinVar:

NM_000414.4(HSD17B4):c.1767+4T>C

Gene: HSD17B4 (hydroxysteroid 17-beta dehydrogenase 4; plus strand). Cytogenetic location: 5q23.1.
Variant type: single nucleotide variant.
Coding change: c.1767+4T>C on transcript NM_000414.4 (MANE Select); 4 bases into the intron after coding-DNA position 1767, T replaced by C.
Molecular consequence: intron variant.
Genome position (GRCh38, 1-based): chr5:119,527,223, T>C. VCF-style: chr5-119527223-T-C. GRCh37 (hg19) VCF-style: chr5-118862918-T-C.
Other names: c.1356+4T>C (NM_001374503.1, NM_001374502.1, NM_001374501.1); c.1842+4T>C (NM_001199291.3); c.1440+4T>C (NM_001374499.1); c.1326+4T>C (NM_001374500.1); c.1347+4T>C (NM_001292028.2); c.1695+4T>C (NM_001292027.2, NM_001374498.1); c.1758+4T>C (NM_001374497.1); c.1713+4T>C (NM_001199292.2).
Identifiers: ClinVar variation 1301845 (VCV001301845.6), dbSNP rs747282423, ClinGen allele CA3382381.

ClinVar aggregate classification (germline): Conflicting classifications of pathogenicity. Review status: criteria provided, conflicting classifications (1 of 4 stars). 3 submissions from 3 submitters: Uncertain significance (2); Likely benign (1). Last evaluated 2022-08-29.

Conditions:
Inborn genetic diseases. Identifiers: MedGen C0950123, MeSH D030342.
Perrault syndrome 1 (PRLTS1). Also called: GONADAL DYSGENESIS, XX TYPE, WITH DEAFNESS; OVARIAN DYSGENESIS WITH SENSORINEURAL DEAFNESS. Identifiers: Orphanet 2855, Orphanet 642945, MedGen C4551721, MONDO:0009300, OMIM 233400.

Allele frequency attached by ClinVar (database versions not stated): gnomAD 0.00001; ExAC 0.00002; gnomAD exomes 0.00004.
gnomAD v4.1: 55 of 1,579,004 alleles (0.0035%); highest among the groups gnomAD compares: South Asian, 0.054%; no homozygotes.

Submissions (3):

Blueprint Genetics
Classification: Likely benign. Last evaluated: 2022-08-29. Review status: criteria provided, single submitter. Criteria: ACMG Guidelines, 2015. Collection method: clinical testing. Allele origin: germline.

Ambry Genetics
Classification: Uncertain significance for Inborn genetic diseases. Last evaluated: 2022-03-31. Review status: criteria provided, single submitter. Criteria: Ambry Variant Classification Scheme 2023. Collection method: clinical testing. Allele origin: germline.
Comment: The c.1767+4T>C intronic alteration consists of a T to C substitution nucleotides after coding exon 20 in the HSD17B4 gene. Based on insufficient or conflicting evidence, the clinical significance of this alteration remains unclear.

Dubai Health Genomic Medicine Center, Dubai Health
Classification: Uncertain significance for Perrault syndrome 1. Last evaluated: 2020-01-06. Review status: criteria provided, single submitter. Criteria: ACMG Guidelines, 2015. Collection method: clinical testing. Allele origin: germline. Affected: yes.